The following is an entry in ClinVar:

ClinVar aggregate classification (germline): Uncertain significance. Review status: criteria provided, multiple submitters, no conflicts (2 of 4 stars). 4 submissions from 4 submitters: Uncertain significance (4). Last evaluated 2026-06-02.

Conditions:
AKAP9-related disorder. Also called: AKAP9-related condition.
Cardiovascular phenotype. Identifiers: MedGen CN230736.
Long QT syndrome (LQTS). Identifiers: MedGen C0023976, MeSH D008133, MONDO:0002442. Disease mechanism: loss of function. Inheritance: Various modes of inheritance.

Allele frequency attached by ClinVar (database versions not stated): gnomAD 0.00001; gnomAD exomes 0.00001; TOPMed 0.00001.
gnomAD v4.1: 9 of 1,613,824 alleles (0.00056%); highest among the groups gnomAD compares: Admixed American, 0.0017%; no homozygotes.

Submissions (4):

PreventionGenetics, part of Exact Sciences
Classification: Uncertain significance for AKAP9-related condition. Last evaluated: 2026-06-02. Review status: criteria provided, single submitter. Criteria: ACMG Guidelines, 2015. Collection method: clinical testing. Allele origin: germline.
Comment: The AKAP9 c.257C>G variant is predicted to result in the amino acid substitution p.Thr86Ser. To our knowledge, this variant has not been reported in the literature. This variant is reported in 0.0065% of alleles in individuals of European (Non-Finnish) descent in gnomAD. At this time, the clinical significance of this variant is uncertain due to the absence of conclusive functional and genetic evidence.

Ambry Genetics
Classification: Uncertain significance for Cardiovascular phenotype. Last evaluated: 2025-12-21. Review status: criteria provided, single submitter. Criteria: Ambry Variant Classification Scheme 2023. Collection method: clinical testing. Allele origin: germline.
Comment: The p.T86S variant (also known as c.257C>G), located in coding exon 2 of the AKAP9 gene, results from a C to G substitution at nucleotide position 257. The threonine at codon 86 is replaced by serine, an amino acid with similar properties. This amino acid position is conserved. In addition, this alteration is predicted to be tolerated by in silico analysis. Since supporting evidence is limited at this time, the clinical significance of this alteration remains unclear.

Labcorp Genetics (formerly Invitae), Labcorp
Classification: Uncertain significance for Long QT syndrome. Last evaluated: 2025-01-15. Review status: criteria provided, single submitter. Criteria: Invitae Variant Classification Sherloc (09022015). Collection method: clinical testing. Allele origin: germline.
Comment: This sequence change replaces threonine, which is neutral and polar, with serine, which is neutral and polar, at codon 86 of the AKAP9 protein (p.Thr86Ser). This variant is present in population databases (rs768859701, gnomAD 0.007%). This variant has not been reported in the literature in individuals affected with AKAP9-related conditions. ClinVar contains an entry for this variant (Variation ID: 1163282). An algorithm developed to predict the effect of missense changes on protein structure and function (PolyPhen-2) suggests that this variant is likely to be tolerated. In summary, the available evidence is currently insufficient to determine the role of this variant in disease. Therefore, it has been classified as a Variant of Uncertain Significance.

Mayo Clinic Laboratories, Mayo Clinic
Classification: Uncertain significance. Last evaluated: 2019-12-03. Review status: criteria provided, single submitter. Criteria: ACMG Guidelines, 2015. Collection method: clinical testing. Allele origin: germline. Observed: 1 variant allele.

NM_005751.5(AKAP9):c.257C>G (p.Thr86Ser)

Gene: AKAP9 (A-kinase anchoring protein 9; plus strand). Cytogenetic location: 7q21.2.
Variant type: single nucleotide variant.
Coding change: c.257C>G on transcript NM_005751.5 (MANE Select); coding-DNA position 257, C replaced by G.
Protein change: p.Thr86Ser; replaces threonine 86 with serine.
Molecular consequence: missense variant.
Genome position (GRCh38, 1-based): chr7:91,973,919, C>G. VCF-style: chr7-91973919-C-G. GRCh37 (hg19) VCF-style: chr7-91603233-C-G.
Other names: c.257C>G, p.Thr86Ser (NM_147185.3); short protein forms T86S.
Identifiers: ClinVar variation 1163282 (VCV001163282.12), dbSNP rs768859701, ClinGen allele CA161891189.